The following is an entry in ClinVar:

ClinVar aggregate classification (germline): Uncertain significance (1 of 4 stars; one submission).

Allele frequency attached by ClinVar (database versions not stated): TOPMed below 0.00001.

Submission:

GeneDx
Classification: Uncertain significance. Last evaluated: 2019-07-03. Review status: criteria provided, single submitter. Criteria: GeneDx Variant Classification Process June 2021. Collection method: clinical testing. Allele origin: germline. Affected: yes.
Comment: Not observed in large population cohorts (Lek et al., 2016); In silico analysis, which includes splice predictors and evolutionary conservation, supports a deleterious effect; Has not been previously published as pathogenic or benign to our knowledge

NM_203447.4(DOCK8):c.2441-3C>A

Gene: DOCK8 (dedicator of cytokinesis 8; plus strand). Cytogenetic location: 9p24.3.
Variant type: single nucleotide variant.
Coding change: c.2441-3C>A on transcript NM_203447.4 (MANE Select); 3 bases into the intron before coding-DNA position 2441, C replaced by A.
Molecular consequence: intron variant.
Genome position (GRCh38, 1-based): chr9:379,768, C>A. VCF-style: chr9-379768-C-A. GRCh37 (hg19) VCF-style: chr9-379768-C-A.
Other names: c.2237-3C>A (NM_001193536.2, NM_001190458.2).
Identifiers: ClinVar variation 1306774 (VCV001306774.2), dbSNP rs1184305319, ClinGen allele CA863784010.